The following is an entry in ClinVar:

NM_152513.4(MEI1):c.1097-1G>C

Gene: MEI1 (meiotic double-stranded break formation protein 1; plus strand). Cytogenetic location: 22q13.2.
Variant type: single nucleotide variant.
Coding change: c.1097-1G>C on transcript NM_152513.4 (MANE Select); the canonical splice acceptor site of the intron before coding-DNA position 1097, G replaced by C.
Molecular consequence: splice acceptor variant.
Genome position (GRCh38, 1-based): chr22:41,732,244, G>C. VCF-style: chr22-41732244-G-C. GRCh37 (hg19) VCF-style: chr22-42128248-G-C.
Identifiers: ClinVar variation 2157329 (VCV002157329.1), dbSNP rs1043792591, ClinGen allele CA324615101.

ClinVar aggregate classification (germline): Likely pathogenic (1 of 4 stars; one submission).

gnomAD v4.1: 1 of 1,606,940 alleles (0.000062%); highest among the groups gnomAD compares: Non-Finnish European, 0.000085%; no homozygotes.

Submission:

Labcorp Genetics (formerly Invitae), Labcorp
Classification: Likely pathogenic. Last evaluated: 2022-06-27. Review status: criteria provided, single submitter. Criteria: Invitae Variant Classification Sherloc (09022015). Collection method: clinical testing. Allele origin: germline.
Comment: This sequence change affects an acceptor splice site in intron 9 of the MEI1 gene. It is expected to disrupt RNA splicing. Variants that disrupt the donor or acceptor splice site typically lead to a loss of protein function (PMID: 16199547), and loss-of-function variants in MEI1 are known to be pathogenic (PMID: 30388401). This variant is not present in population databases (gnomAD no frequency). This variant has not been reported in the literature in individuals affected with MEI1-related conditions. Algorithms developed to predict the effect of sequence changes on RNA splicing suggest that this variant may disrupt the consensus splice site. In summary, the currently available evidence indicates that the variant is pathogenic, but additional data are needed to prove that conclusively. Therefore, this variant has been classified as Likely Pathogenic.

Literature cited by the submitters: PubMed 16199547; PubMed 30388401.